The following is an entry in ClinVar:

NM_001999.4(FBN2):c.1061A>T (p.Asp354Val)

Gene: FBN2 (fibrillin 2; minus strand). Cytogenetic location: 5q23.3.
Variant type: single nucleotide variant.
Coding change: c.1061A>T on transcript NM_001999.4 (MANE Select); coding-DNA position 1061, A replaced by T.
Protein change: p.Asp354Val; replaces aspartic acid 354 with valine.
Molecular consequence: missense variant.
Genome position (GRCh38, 1-based): chr5:128,408,691, T>A on the plus strand (A>T on the coding strand, the complement: FBN2 is on the minus strand). VCF-style: chr5-128408691-T-A. GRCh37 (hg19) VCF-style: chr5-127744384-T-A.
Other names: short protein forms D354V.
Identifiers: ClinVar variation 2767514 (VCV002767514.3), dbSNP rs761066631, ClinGen allele CA360753188.
Genomic context (GRCh38, chr5:128,408,691, plus strand): 5'-TATAAAGACCCAGTGTATTGAGCCTTCAAAATGCGAGGCTTACCGATGCATCGAGAGCCA[T>A]CTGTTGAGGTTACATATCCACGTGGACAAACACAAAAATAGCTTCCCACGGTGTTGGAAC-3'
Protein context (NP_001990.2, residues 344-364): VCPRGYVTST[Asp354Val]GSRCIDQRTG

ClinVar aggregate classification (germline): Uncertain significance (1 of 4 stars; one submission).

Conditions:
Congenital contractural arachnodactyly (CCA). Also called: BEALS SYNDROME; Arthrogryposis, distal, type 9; Beals-Hecht syndrome. Identifiers: Orphanet 115, MedGen C0220668, MONDO:0007363, OMIM 121050.

Submission:

Labcorp Genetics (formerly Invitae), Labcorp
Classification: Uncertain significance for Congenital contractural arachnodactyly. Last evaluated: 2023-10-10. Review status: criteria provided, single submitter. Criteria: Invitae Variant Classification Sherloc (09022015). Collection method: clinical testing. Allele origin: germline.
Comment: This sequence change replaces aspartic acid, which is acidic and polar, with valine, which is neutral and non-polar, at codon 354 of the FBN2 protein (p.Asp354Val). This variant is not present in population databases (gnomAD no frequency). This variant has not been reported in the literature in individuals affected with FBN2-related conditions. Advanced modeling of protein sequence and biophysical properties (such as structural, functional, and spatial information, amino acid conservation, physicochemical variation, residue mobility, and thermodynamic stability) has been performed at Invitae for this missense variant, however the output from this modeling did not meet the statistical confidence thresholds required to predict the impact of this variant on FBN2 protein function. In summary, the available evidence is currently insufficient to determine the role of this variant in disease. Therefore, it has been classified as a Variant of Uncertain Significance.